The following is an entry in ClinVar:

ClinVar aggregate classification (germline): Benign. Review status: criteria provided, multiple submitters, no conflicts (2 of 4 stars). 2 submissions from 2 submitters: Benign (2). Last evaluated 2018-06-19.

Allele frequency attached by ClinVar (database versions not stated): 1000 Genomes Project 0.59944; 1000 Genomes Project 30x 0.60400; TOPMed 0.73155; gnomAD 0.74649 and 0.75421; ESP Exome Variant Server 0.77946; gnomAD exomes 0.82079.
gnomAD v4.1: 1,184,750 of 1,458,760 alleles (81%); highest among the groups gnomAD compares: Non-Finnish European, 86%; 491,299 homozygotes.

Submissions (2):

GeneDx
Classification: Benign. Last evaluated: 2018-06-19. Review status: criteria provided, single submitter. Criteria: GeneDx Variant Classification (06012015). Collection method: clinical testing. Allele origin: germline. Affected: yes.
Comment: This variant is considered likely benign or benign based on one or more of the following criteria: it is a conservative change, it occurs at a poorly conserved position in the protein, it is predicted to be benign by multiple in silico algorithms, and/or has population frequency not consistent with disease.

Breakthrough Genomics
Classification: Benign. Review status: criteria provided, single submitter. Criteria: ACMG Guidelines, 2015. Collection method: not provided. Allele origin: germline. Inheritance: Autosomal dominant inheritance. Affected: yes.

NM_017636.4(TRPM4):c.92+66T>C

Gene: TRPM4 (transient receptor potential cation channel subfamily M member 4; plus strand). Cytogenetic location: 19q13.33.
Variant type: single nucleotide variant.
Coding change: c.92+66T>C on transcript NM_017636.4 (MANE Select); 66 bases into the intron after coding-DNA position 92, T replaced by C.
Molecular consequence: intron variant.
Genome position (GRCh38, 1-based): chr19:49,158,325, T>C. VCF-style: chr19-49158325-T-C. GRCh37 (hg19) VCF-style: chr19-49661582-T-C.
Other names: c.92+66T>C (NM_001195227.2, NM_001321281.2); c.-1281+66T>C (NM_001321282.2); c.-75+66T>C (NM_001321283.2); c.-238+66T>C (NM_001321285.2).
Identifiers: ClinVar variation 674828 (VCV000674828.2), dbSNP rs3760664, ClinGen allele CA14728645.
Genomic context (GRCh38, chr19:49,158,325, plus strand): 5'-GAGTTCGCCCCTGGACTGACCCCAGAGGGTCCGCGGCCCGCTGACCCCGCCCGCGGATGG[T>C]CACGCCCCAGCCCTGCTCCTTCCCCATTCCTGGACTCGGGGACCTTCCCAAGGGCGTTCC-3'